The following is an entry in ClinVar:

ClinVar aggregate classification (germline): Uncertain significance (1 of 4 stars; one submission).

Allele frequency attached by ClinVar (database versions not stated): gnomAD 0.00001.
gnomAD v4.1: 54 of 1,330,848 alleles (0.0041%); highest among the groups gnomAD compares: Non-Finnish European, 0.0045%; no homozygotes.

Submission:

Greenwood Genetic Center Diagnostic Laboratories, Greenwood Genetic Center
Classification: Uncertain significance. Last evaluated: 2022-05-04. Review status: criteria provided, single submitter. Criteria: ACMG Guidelines, 2015. Collection method: clinical testing. Allele origin: germline. Affected: yes.
Comment: PM2 PP2

NM_001127222.2(CACNA1A):c.6839G>T (p.Arg2280Leu)

Gene: CACNA1A (calcium voltage-gated channel subunit alpha1 A; minus strand). Cytogenetic location: 19p13.13.
Variant type: single nucleotide variant.
Coding change: c.6839G>T on transcript NM_001127222.2 (MANE Select); coding-DNA position 6839, G replaced by T.
Protein change: p.Arg2280Leu; replaces arginine 2280 with leucine.
Molecular consequence: missense variant. On other transcripts: 3 prime UTR variant (3).
Genome position (GRCh38, 1-based): chr19:13,207,995, C>A on the plus strand (G>T on the coding strand, the complement: CACNA1A is on the minus strand). VCF-style: chr19-13207995-C-A. GRCh37 (hg19) VCF-style: chr19-13318809-C-A.
Other names: c.*51G>T (NM_000068.4, NM_001127221.2, NM_001174080.2); c.6857G>T, p.Arg2286Leu (NM_023035.3); short protein forms R2280L, R2286L.
Identifiers: ClinVar variation 1703179 (VCV001703179.3), dbSNP rs1392375465, ClinGen allele CA404328983.